The following is an entry in ClinVar:

NM_001134363.3(RBM20):c.3566A>T (p.Asn1189Ile)

Gene: RBM20 (RNA binding motif protein 20; plus strand). Cytogenetic location: 10q25.2.
Variant type: single nucleotide variant.
Coding change: c.3566A>T on transcript NM_001134363.3 (MANE Select); coding-DNA position 3566, A replaced by T.
Protein change: p.Asn1189Ile; replaces asparagine 1189 with isoleucine.
Molecular consequence: missense variant.
Genome position (GRCh38, 1-based): chr10:110,831,175, A>T. VCF-style: chr10-110831175-A-T. GRCh37 (hg19) VCF-style: chr10-112590933-A-T.
Other names: short protein forms N1189I.
Identifiers: ClinVar variation 2449382 (VCV002449382.3), dbSNP rs1051471272, ClinGen allele CA378386783.

ClinVar aggregate classification (germline): Uncertain significance. Review status: criteria provided, multiple submitters, no conflicts (2 of 4 stars). 2 submissions from 2 submitters: Uncertain significance (2). Last evaluated 2025-11-03.

Conditions:
Cardiovascular phenotype. Identifiers: MedGen CN230736.
Dilated cardiomyopathy 1DD (CMD1DD). Identifiers: Orphanet 154, MedGen C2750995, MONDO:0013168, OMIM 613172.

Submissions (2):

Labcorp Genetics (formerly Invitae), Labcorp
Classification: Uncertain significance for Dilated cardiomyopathy 1DD. Last evaluated: 2025-11-03. Review status: criteria provided, single submitter. Criteria: Invitae Variant Classification Sherloc (09022015). Collection method: clinical testing. Allele origin: germline.
Comment: This sequence change replaces asparagine, which is neutral and polar, with isoleucine, which is neutral and non-polar, at codon 1189 of the RBM20 protein (p.Asn1189Ile). This variant is not present in population databases (gnomAD no frequency). This variant has not been reported in the literature in individuals affected with RBM20-related conditions. ClinVar contains an entry for this variant (Variation ID: 2449382). Invitae Evidence Modeling of protein sequence and biophysical properties (such as structural, functional, and spatial information, amino acid conservation, physicochemical variation, residue mobility, and thermodynamic stability) has been performed for this missense variant. However, the output from this modeling did not meet the statistical confidence thresholds required to predict the impact of this variant on RBM20 protein function. In summary, the available evidence is currently insufficient to determine the role of this variant in disease. Therefore, it has been classified as a Variant of Uncertain Significance.

Ambry Genetics
Classification: Uncertain significance for Cardiovascular phenotype. Last evaluated: 2022-11-19. Review status: criteria provided, single submitter. Criteria: Ambry Variant Classification Scheme 2023. Collection method: clinical testing. Allele origin: germline.
Comment: The p.N1189I variant (also known as c.3566A>T), located in coding exon 13 of the RBM20 gene, results from an A to T substitution at nucleotide position 3566. The asparagine at codon 1189 is replaced by isoleucine, an amino acid with dissimilar properties. This amino acid position is conserved. In addition, the in silico prediction for this alteration is inconclusive. Since supporting evidence is limited at this time, the clinical significance of this alteration remains unclear.